The following is an entry in ClinVar:

NM_001291303.3(FAT4):c.12768C>T (p.Ser4256=)

Gene: FAT4 (FAT atypical cadherin 4; plus strand). Cytogenetic location: 4q28.1.
Variant type: single nucleotide variant.
Coding change: c.12768C>T on transcript NM_001291303.3 (MANE Select); coding-DNA position 12768, C replaced by T.
Protein change: p.Ser4256=; no amino-acid change (serine 4256 retained).
Molecular consequence: synonymous variant.
Genome position (GRCh38, 1-based): chr4:125,481,684, C>T. VCF-style: chr4-125481684-C-T. GRCh37 (hg19) VCF-style: chr4-126402839-C-T.
Other names: c.12768C>T, p.Ser4256= (NM_001291285.3); c.12762C>T, p.Ser4254= (NM_024582.6); c.12768C>T (NM_001291303.1).
Identifiers: ClinVar variation 1447235 (VCV001447235.9), dbSNP rs1006074076, ClinGen allele CA104870477.
Genomic context (GRCh38, chr4:125,481,684, plus strand): 5'-AGGTGCCATGTTGGAGCCTTTTGGTGTGAACAGTCTGGAAGTAAAATTTAGGACCAGAAG[C>T]GAGAATGGCGTTTTAATCCATATCCAAGAAAGCAGCAATTACACTACTGTGAAGGTGAGA-3'
Protein context (NP_001278232.1, residues 4246-4266): NSLEVKFRTR[Ser4256=]ENGVLIHIQE

ClinVar aggregate classification (germline): Likely benign. Review status: criteria provided, single submitter (1 of 4 stars). 2 submissions from 2 submitters: Likely benign (1). 1 of the submissions does not count toward it. Last evaluated 2026-01-18.

Conditions:
FAT4-related disorder. Also called: FAT4-related condition.

Allele frequency attached by ClinVar (database versions not stated): gnomAD exomes below 0.00001 and 0.00001; TOPMed 0.00003; gnomAD 0.00004.
gnomAD v4.1: 14 of 1,613,836 alleles (0.00087%); highest among the groups gnomAD compares: African/African-American, 0.0053%; no homozygotes.

Submissions (2):

Labcorp Genetics (formerly Invitae), Labcorp
Classification: Likely benign. Last evaluated: 2026-01-18. Review status: criteria provided, single submitter. Criteria: Invitae Variant Classification Sherloc (09022015). Collection method: clinical testing. Allele origin: germline.

PreventionGenetics, part of Exact Sciences
Classification: Likely benign for FAT4-related condition. Last evaluated: 2024-01-02. Review status: no assertion criteria provided. Collection method: clinical testing. Allele origin: germline. Not counted in ClinVar's aggregate classification.
Comment: This variant is classified as likely benign based on ACMG/AMP sequence variant interpretation guidelines (Richards et al. 2015 PMID: 25741868, with internal and published modifications).